The following is an entry in ClinVar:

NM_001009944.3(PKD1):c.10742C>T (p.Pro3581Leu)

Genes: PKD1 (polycystin 1, transient receptor potential channel interacting; minus strand), PKD1-AS1 (PKD1 antisense RNA 1; plus strand). Cytogenetic location: 16p13.3.
Variant type: single nucleotide variant.
Coding change: c.10742C>T on transcript NM_001009944.3 (MANE Select); coding-DNA position 10742, C replaced by T.
Protein change: p.Pro3581Leu; replaces proline 3581 with leucine.
Molecular consequence: missense variant.
Genome position (GRCh38, 1-based): chr16:2,093,890, G>A on the plus strand (C>T on the coding strand, the complement: PKD1 is on the minus strand). VCF-style: chr16-2093890-G-A. GRCh37 (hg19) VCF-style: chr16-2143891-G-A.
Other names: c.10739C>T, p.Pro3580Leu (NM_000296.4); short protein forms P3580L, P3581L.
Identifiers: ClinVar variation 3578993 (VCV003578993.2).
Genomic context (GRCh38, chr16:2,093,890, plus strand): 5'-AGGAATGAGGCCAGGAAGCTGGCGCTGCTGGACAGGAGCCACGCAACACTCACGCCCGGG[G>A]GGAAGCTCGCACCCACCCACCCTGAGACAGCCACAGCCACAGCCACCAGGAGCAGGCTGA-3'
Protein context (NP_001009944.3, residues 3571-3591): AVSGWVGASF[Pro3581Leu]PGVSVAWLLS

ClinVar aggregate classification (germline): Uncertain significance. Review status: criteria provided, multiple submitters, no conflicts (2 of 4 stars). 2 submissions from 2 submitters: Uncertain significance (2). Last evaluated 2026-02-23.

Conditions:
Polycystic kidney disease, adult type (PKD1). Also called: Polycystic Kidney Disease 1, Autosomal Dominant; Polycystic kidney disease 1; Polycystic kidney disease 1, severe; Polycystic Kidney, Autosomal Dominant; POLYCYSTIC KIDNEY DISEASE 1 WITH OR WITHOUT POLYCYSTIC LIVER DISEASE; POLYCYSTIC KIDNEY DISEASE, ADULT, TYPE I. Identifiers: MedGen C3149841, MONDO:0008263, OMIM 173900.

gnomAD v4.1: 5 of 1,578,470 alleles (0.00032%); highest among the groups gnomAD compares: Admixed American, 0.0035%; no homozygotes.

Submissions (2):

Women's Health and Genetics/Laboratory Corporation of America, LabCorp
Classification: Uncertain significance. Last evaluated: 2026-02-23. Review status: criteria provided, single submitter. Criteria: LabCorp Variant Classification Summary - May 2015. Collection method: clinical testing. Allele origin: germline.
Comment: Variant summary: PKD1 c.10742C>T (p.Pro3581Leu) results in a non-conservative amino acid change in the encoded protein sequence. Algorithms developed to predict the effect of missense changes on protein structure and function are either unavailable or do not agree on the potential impact of this missense change. The variant allele was found at a frequency of 1.5e-05 in 198192 control chromosomes. The available data on variant occurrences in the general population are insufficient to allow any conclusion about variant significance. To our knowledge, no occurrence of c.10742C>T in individuals affected with PKD1-related conditions and no experimental evidence demonstrating its impact on protein function have been reported. ClinVar contains an entry for this variant (Variation ID: 3578993). Based on the evidence outlined above, the variant was classified as uncertain significance.

Fulgent Genetics
Classification: Uncertain significance for Polycystic kidney disease, adult type. Last evaluated: 2024-05-20. Review status: criteria provided, single submitter. Criteria: ACMG Guidelines, 2015. Collection method: clinical testing. Allele origin: germline.